The following is an entry in ClinVar:

NM_016203.4(PRKAG2):c.111T>G (p.Ile37Met)

Gene: PRKAG2 (protein kinase AMP-activated non-catalytic subunit gamma 2; minus strand). Cytogenetic location: 7q36.1.
Variant type: single nucleotide variant.
Coding change: c.111T>G on transcript NM_016203.4 (MANE Select); coding-DNA position 111, T replaced by G.
Protein change: p.Ile37Met; replaces isoleucine 37 with methionine.
Molecular consequence: missense variant.
Genome position (GRCh38, 1-based): chr7:151,876,510, A>C on the plus strand (T>G on the coding strand, the complement: PRKAG2 is on the minus strand). VCF-style: chr7-151876510-A-C. GRCh37 (hg19) VCF-style: chr7-151573595-A-C.
Other names: c.111T>G, p.Ile37Met (NM_001407021.1, NM_001407022.1, NM_001407023.1 and 2 more transcripts); short protein forms I37M.
Identifiers: ClinVar variation 3070564 (VCV003070564.1), dbSNP rs144426409, ClinGen allele CA370071843.
Genomic context (GRCh38, chr7:151,876,510, plus strand): 5'-CCGGGGACGGGAGCGACAGGAGGGCTGGGGAGCAGGGGACCGAGTGCTGGGACTCACCGG[A>C]ATGTGCACGCGCAGCGAACGCCTCTTCTGGCTGGCATTTTTCTTGCCGCCGCTCCCGCCG-3'
Protein context (NP_057287.2, residues 27-47): SQKRRSLRVH[Ile37Met]PDLSSFAMPL

ClinVar aggregate classification (germline): Uncertain significance (1 of 4 stars; one submission).

Conditions:
Hypertrophic cardiomyopathy. Also called: HYPERTROPHIC MYOCARDIOPATHY. Identifiers: Orphanet 217569, MedGen C0007194, MeSH D002312, MONDO:0005045, HP:0001639.

Submission:

All of Us Research Program, National Institutes of Health
Classification: Uncertain significance for Hypertrophic cardiomyopathy. Last evaluated: 2023-04-27. Review status: criteria provided, single submitter. Criteria: ACMG Guidelines, 2015. Collection method: clinical testing. Allele origin: germline. Inheritance: Autosomal dominant inheritance. Observed: 1 variant allele, 1 heterozygote.
Comment: This study involves interpretation of variants in research participants for the purpose of population health screening. Participant phenotype was not available at the time of variant classification. Additional details can be found in publication PMID: 35346344, PMCID: PMC8962531